The following is an entry in ClinVar:

ClinVar aggregate classification (germline): Uncertain significance (1 of 4 stars; one submission).

Conditions:
Multiple endocrine neoplasia, type 2 (MEN2). Identifiers: Orphanet 653, MedGen C4048306, MONDO:0019003. Disease mechanism: gain of function.

Submission:

Labcorp Genetics (formerly Invitae), Labcorp
Classification: Uncertain significance for Multiple endocrine neoplasia, type 2. Last evaluated: 2024-10-15. Review status: criteria provided, single submitter. Criteria: Invitae Variant Classification Sherloc (09022015). Collection method: clinical testing. Allele origin: germline.
Comment: This sequence change replaces histidine, which is basic and polar, with tyrosine, which is neutral and polar, at codon 658 of the RET protein (p.His658Tyr). This variant is not present in population databases (gnomAD no frequency). This variant has not been reported in the literature in individuals affected with RET-related conditions. ClinVar contains an entry for this variant (Variation ID: 1714564). An algorithm developed to predict the effect of missense changes on protein structure and function (PolyPhen-2) suggests that this variant is likely to be tolerated. In summary, the available evidence is currently insufficient to determine the role of this variant in disease. Therefore, it has been classified as a Variant of Uncertain Significance.

NM_020975.6(RET):c.1972C>T (p.His658Tyr)

Gene: RET (ret proto-oncogene; plus strand). Cytogenetic location: 10q11.21.
Variant type: single nucleotide variant.
Coding change: c.1972C>T on transcript NM_020975.6 (MANE Select); coding-DNA position 1972, C replaced by T.
Protein change: p.His658Tyr; replaces histidine 658 with tyrosine.
Molecular consequence: missense variant.
Genome position (GRCh38, 1-based): chr10:43,114,572, C>T. VCF-style: chr10-43114572-C-T. GRCh37 (hg19) VCF-style: chr10-43610020-C-T.
Other names: c.1075C>T, p.His359Tyr (NM_001406779.1, NM_001406780.1, NM_001406781.1 and 1 more transcripts); c.946C>T, p.His316Tyr (NM_001406783.1, NM_001406786.1); c.982C>T, p.His328Tyr (NM_001406784.1); c.955C>T, p.His319Tyr (NM_001406785.1); c.787C>T, p.His263Tyr (NM_001406788.1, NM_001406789.1, NM_001406790.1); c.1972C>T, p.His658Tyr (NM_000323.2, NM_001406743.1, NM_001406744.1 and 4 more transcripts); c.1210C>T, p.His404Tyr (NM_001355216.2); c.1843C>T, p.His615Tyr (NM_001406761.1, NM_001406762.1, NM_001406764.1); and 7 more; short protein forms H175Y, H223Y, H263Y, H316Y, H319Y, H328Y, H359Y, H404Y.
Identifiers: ClinVar variation 1714564 (VCV001714564.5), dbSNP rs2132848148, ClinGen allele CA376553046.